The following is an entry in ClinVar:

NM_000051.4(ATM):c.2598T>G (p.Val866=)

Gene: ATM (ATM serine/threonine kinase; plus strand). Cytogenetic location: 11q22.3.
Variant type: single nucleotide variant.
Coding change: c.2598T>G on transcript NM_000051.4 (MANE Select); coding-DNA position 2598, T replaced by G.
Protein change: p.Val866=; no amino-acid change (valine 866 retained).
Molecular consequence: synonymous variant.
Genome position (GRCh38, 1-based): chr11:108,267,302, T>G. VCF-style: chr11-108267302-T-G. GRCh37 (hg19) VCF-style: chr11-108138029-T-G.
Other names: p.V866V:GTT>GTG; c.2598T>G, p.Val866= (NM_001351834.2).
Identifiers: ClinVar variation 181933 (VCV000181933.21), dbSNP rs730881350, ClinGen allele CA298179.

ClinVar aggregate classification (germline): Conflicting classifications of pathogenicity. Review status: criteria provided, conflicting classifications (1 of 4 stars). 6 submissions from 6 submitters: Uncertain significance (1); Benign (1); Likely benign (4). Last evaluated 2025-12-23.

Conditions:
Hereditary cancer-predisposing syndrome. Also called: Tumor predisposition; Hereditary Cancer Syndrome; Hereditary neoplastic syndrome; Neoplastic Syndromes, Hereditary. Identifiers: Orphanet 140162, MedGen C0027672, MeSH D009386, MONDO:0015356.
Familial cancer of breast. Also called: BREAST CANCER, FAMILIAL; hereditary breast carcinoma; Hereditary breast cancer. Identifiers: Orphanet 227535, MedGen C0346153, MONDO:0016419, OMIM 114480. Disease mechanism: loss of function.
Ataxia-telangiectasia syndrome (AT). Also called: LOUIS-BAR SYNDROME; Cerebello-oculocutaneous telangiectasia; Immunodeficiency with ataxia telangiectasia; ATAXIA-TELANGIECTASIA, COMPLEMENTATION GROUP A; ATAXIA-TELANGIECTASIA, FRESNO VARIANT; Ataxia-telangiectasia. Identifiers: Orphanet 100, MedGen C0004135, MONDO:0008840, OMIM 208900.

Allele frequency attached by ClinVar (database versions not stated): gnomAD 0.00001; TOPMed 0.00001.
gnomAD v4.1: 1 of 1,613,976 alleles (0.000062%); highest among the groups gnomAD compares: African/African-American, 0.0013%; no homozygotes.

Submissions (6):

Labcorp Genetics (formerly Invitae), Labcorp
Classification: Likely benign for Ataxia-telangiectasia syndrome. Last evaluated: 2025-12-23. Review status: criteria provided, single submitter. Criteria: Invitae Variant Classification Sherloc (09022015). Collection method: clinical testing. Allele origin: germline.

Myriad Genetics, Inc.
Classification: Benign for Familial cancer of breast. Last evaluated: 2024-05-09. Review status: criteria provided, single submitter. Criteria: Myriad Autosomal Dominant, Autosomal Recessive and X-Linked Classification Criteria (2023). Collection method: clinical testing. Allele origin: unknown.
Comment: This variant is considered benign. This variant is a silent/synonymous amino acid change and it is not expected to impact splicing.

Women's Health and Genetics/Laboratory Corporation of America, LabCorp
Classification: Likely benign. Last evaluated: 2020-05-30. Review status: criteria provided, single submitter. Criteria: LabCorp Variant Classification Summary - May 2015. Collection method: clinical testing. Allele origin: germline.

Color Diagnostics, LLC DBA Color Health
Classification: Likely benign for Hereditary cancer-predisposing syndrome. Last evaluated: 2018-06-26. Review status: criteria provided, single submitter. Criteria: ACMG Guidelines, 2015. Collection method: clinical testing. Allele origin: germline.

Ambry Genetics
Classification: Likely benign for Hereditary cancer-predisposing syndrome. Last evaluated: 2018-03-09. Review status: criteria provided, single submitter. Criteria: Ambry Variant Classification Scheme 2023. Collection method: clinical testing. Allele origin: germline.

GeneDx
Classification: Uncertain significance. Last evaluated: 2014-07-02. Review status: criteria provided, single submitter. Criteria: GeneDx Variant Classification (06012015). Collection method: clinical testing. Allele origin: germline. Affected: yes.
Comment: This variant is denoted ATM c.2598T>G at the DNA level. Although the variant is silent at the coding level, preserving a Valine at codon 866, it is predicted to cause abnormal splicing. This variant has not, to our knowledge, been published in the literature as pathogenic or benign. ATM 2598T>G was not observed in approximately 6,500 individuals of European and African American ancestry in the NHLBI Exome Sequencing Project, indicating it is not a common benign variant in these populations. The nucleotide which is altered, a thymine (T) at base 2598, is moderately conserved across species with guanine (G) being the naturally occurring amino acid in other mammals. Based on currently available information, it is unclear whether ATM 2598T>G is pathogenic or benign. We consider it to be a variant of uncertain significance.